The following is an entry in ClinVar:

ClinVar aggregate classification (germline): Uncertain significance. Review status: criteria provided, multiple submitters, no conflicts (2 of 4 stars). 3 submissions from 3 submitters: Uncertain significance (3). Last evaluated 2025-09-17.

Conditions:
Cardiovascular phenotype. Identifiers: MedGen CN230736.

Allele frequency attached by ClinVar (database versions not stated): gnomAD 0.00002 and 0.00001; ExAC 0.00001; gnomAD exomes 0.00001 and 0.00002.
gnomAD v4.1: 24 of 1,613,724 alleles (0.0015%); highest among the groups gnomAD compares: African/African-American, 0.008%; no homozygotes.

Submissions (3):

Ambry Genetics
Classification: Uncertain significance for Cardiovascular phenotype. Last evaluated: 2025-09-17. Review status: criteria provided, single submitter. Criteria: Ambry Variant Classification Scheme 2023. Collection method: clinical testing. Allele origin: germline.
Comment: The p.S231L variant (also known as c.692C>T), located in coding exon 6 of the PRDM5 gene, results from a C to T substitution at nucleotide position 692. The serine at codon 231 is replaced by leucine, an amino acid with dissimilar properties. This amino acid position is conserved. In addition, this alteration is predicted to be tolerated by in silico analysis. Since supporting evidence is limited at this time, the clinical significance of this alteration remains unclear.

Labcorp Genetics (formerly Invitae), Labcorp
Classification: Uncertain significance. Last evaluated: 2022-04-12. Review status: criteria provided, single submitter. Criteria: Invitae Variant Classification Sherloc (09022015). Collection method: clinical testing. Allele origin: germline.
Comment: This sequence change replaces serine, which is neutral and polar, with leucine, which is neutral and non-polar, at codon 231 of the PRDM5 protein (p.Ser231Leu). This variant is present in population databases (rs750031024, gnomAD 0.01%). This variant has not been reported in the literature in individuals affected with PRDM5-related conditions. ClinVar contains an entry for this variant (Variation ID: 1318803). Algorithms developed to predict the effect of missense changes on protein structure and function output the following: SIFT: "Deleterious"; PolyPhen-2: "Benign"; Align-GVGD: "Class C0". The leucine amino acid residue is found in multiple mammalian species, which suggests that this missense change does not adversely affect protein function. Algorithms developed to predict the effect of sequence changes on RNA splicing suggest that this variant may disrupt the consensus splice site. In summary, the available evidence is currently insufficient to determine the role of this variant in disease. Therefore, it has been classified as a Variant of Uncertain Significance.

GeneDx
Classification: Uncertain significance. Last evaluated: 2019-08-05. Review status: criteria provided, single submitter. Criteria: GeneDx Variant Classification Process June 2021. Collection method: clinical testing. Allele origin: germline. Affected: yes.
Comment: Has not been previously published as pathogenic or benign to our knowledge; In silico analysis, which includes protein predictors and evolutionary conservation, supports that this variant does not alter protein structure/function

NM_018699.4(PRDM5):c.692C>T (p.Ser231Leu)

Gene: PRDM5 (PR/SET domain 5; minus strand). Cytogenetic location: 4q27.
Variant type: single nucleotide variant.
Coding change: c.692C>T on transcript NM_018699.4 (MANE Select); coding-DNA position 692, C replaced by T.
Protein change: p.Ser231Leu; replaces serine 231 with leucine.
Molecular consequence: missense variant. On other transcripts: intron variant (3).
Genome position (GRCh38, 1-based): chr4:120,816,883, G>A on the plus strand (C>T on the coding strand, the complement: PRDM5 is on the minus strand). VCF-style: chr4-120816883-G-A. GRCh37 (hg19) VCF-style: chr4-121738038-G-A.
Other names: c.651-309C>T (NM_001300824.2, NM_001379106.1, NM_001300823.2); c.692C>T, p.Ser231Leu (NM_001379104.1); short protein forms S231L.
Identifiers: ClinVar variation 1318803 (VCV001318803.9), dbSNP rs750031024, ClinGen allele CA3061321.